The following is an entry in ClinVar:

ClinVar aggregate classification (germline): Conflicting classifications of pathogenicity. Review status: criteria provided, conflicting classifications (1 of 4 stars). 3 submissions from 3 submitters: Uncertain significance (1); Likely benign (1). 1 of the submissions does not count toward it. Last evaluated 2025-12-24.

Conditions:
Wolman disease (WOLD). Also called: Acid cholesteryl ester hydrolase deficiency, Wolman type; Acid lipase disease; Infantile-Onset LAL-D (Wolman Disease); Wolman disease, CESD; LYSOSOMAL ACID LIPASE DEFICIENCY, ACUTE INFANTILE; LYSOSOMAL ACID LIPASE DEFICIENCY, COMPLETE. Identifiers: Orphanet 75233, MedGen C0043208, MONDO:0019148, OMIM 620151.
LIPA-related disorder. Also called: LIPA-related disorders; LIPA-related condition.
Cardiovascular phenotype. Identifiers: MedGen CN230736.

Allele frequency attached by ClinVar (database versions not stated): gnomAD 0.00003; ExAC 0.00004.
gnomAD v4.1: 25 of 1,588,328 alleles (0.0016%); highest among the groups gnomAD compares: Admixed American, 0.042%; no homozygotes.

Submissions (3):

Labcorp Genetics (formerly Invitae), Labcorp
Classification: Likely benign for Wolman disease. Last evaluated: 2025-12-24. Review status: criteria provided, single submitter. Criteria: Invitae Variant Classification Sherloc (09022015). Collection method: clinical testing. Allele origin: germline.

Ambry Genetics
Classification: Uncertain significance for Cardiovascular phenotype. Last evaluated: 2025-03-06. Review status: criteria provided, single submitter. Criteria: Ambry Variant Classification Scheme 2023. Collection method: clinical testing. Allele origin: germline.

PreventionGenetics, part of Exact Sciences
Classification: Uncertain significance for LIPA-related condition. Last evaluated: 2024-07-08. Review status: no assertion criteria provided. Collection method: clinical testing. Allele origin: germline. Not counted in ClinVar's aggregate classification.
Comment: The LIPA c.203A>G variant is predicted to result in the amino acid substitution p.His68Arg. To our knowledge, this variant has not been reported in the literature. This variant is reported in 0.062% of alleles in individuals of Latino descent in gnomAD. Although we suspect that this variant may be benign, at this time, the clinical significance of this variant is uncertain due to the absence of conclusive functional and genetic evidence.

NM_000235.4(LIPA):c.203A>G (p.His68Arg)

Gene: LIPA (lipase A, lysosomal acid type; minus strand). Cytogenetic location: 10q23.31.
Variant type: single nucleotide variant.
Coding change: c.203A>G on transcript NM_000235.4 (MANE Select); coding-DNA position 203, A replaced by G.
Protein change: p.His68Arg; replaces histidine 68 with arginine.
Molecular consequence: missense variant. On other transcripts: intron variant (1).
Genome position (GRCh38, 1-based): chr10:89,245,702, T>C on the plus strand (A>G on the coding strand, the complement: LIPA is on the minus strand). VCF-style: chr10-89245702-T-C. GRCh37 (hg19) VCF-style: chr10-91005459-T-C.
Other names: c.203A>G, p.His68Arg (NM_001127605.3); c.-120+6035A>G (NM_001288979.2); c.203A>G (NM_000235.3, NM_000235.2); short protein forms H68R.
Identifiers: ClinVar variation 2142023 (VCV002142023.5), dbSNP rs757920082, ClinGen allele CA5593791.